The following is an entry in ClinVar:

NM_005359.6(SMAD4):c.563del (p.Asn188fs)

Gene: SMAD4 (SMAD family member 4; plus strand). Cytogenetic location: 18q21.2.
Variant type: Deletion.
Coding change: c.563del on transcript NM_005359.6 (MANE Select); coding-DNA position 563, one base deleted (A; older notation c.563delA).
Protein change: p.Asn188fs; shifts the reading frame from asparagine 188.
Molecular consequence: frameshift variant.
Genome position (GRCh38, 1-based): chr18:51,054,889, A deleted; the last of 2 consecutive A bases (chr18:51,054,888-51,054,889); deleting either gives the same sequence. VCF-style (leftmost placement, unchanged base first): chr18-51054887-TA-T. GRCh37 (hg19) VCF-style: chr18-48581257-TA-T.
Other names: short protein forms N188fs.
Identifiers: ClinVar variation 1076948 (VCV001076948.7), dbSNP rs2144418764, ClinGen allele CA2499225204.

ClinVar aggregate classification (germline): Pathogenic (1 of 4 stars; one submission).

Conditions:
Juvenile polyposis syndrome (JPS). Identifiers: Orphanet 2929, MedGen C0345893, MONDO:0017380, OMIM 174900.

Submission:

Labcorp Genetics (formerly Invitae), Labcorp
Classification: Pathogenic for Juvenile polyposis syndrome. Last evaluated: 2024-06-12. Review status: criteria provided, single submitter. Criteria: Invitae Variant Classification Sherloc (09022015). Collection method: clinical testing. Allele origin: germline.
Comment: This sequence change creates a premature translational stop signal (p.Asn188Ilefs*14) in the SMAD4 gene. It is expected to result in an absent or disrupted protein product. Loss-of-function variants in SMAD4 are known to be pathogenic (PMID: 16152648, 16436638, 22810475). This variant is not present in population databases (gnomAD no frequency). This variant has not been reported in the literature in individuals affected with SMAD4-related conditions. ClinVar contains an entry for this variant (Variation ID: 1076948). For these reasons, this variant has been classified as Pathogenic.

Literature cited by the submitters: PubMed 16152648; PubMed 16436638; PubMed 22810475.